The following is an entry in ClinVar:

ClinVar aggregate classification (germline): Uncertain significance (1 of 4 stars; one submission).

Conditions:
Gastrointestinal stromal tumor. Also called: Gastrointestinal stroma tumor; Gastrointestinal stromal tumor, somatic. Identifiers: Orphanet 44890, MedGen C0238198, MeSH D046152, MONDO:0011719, OMIM 606764, HP:0100723.

Submission:

Labcorp Genetics (formerly Invitae), Labcorp
Classification: Uncertain significance for Gastrointestinal stromal tumor. Last evaluated: 2021-03-08. Review status: criteria provided, single submitter. Criteria: Invitae Variant Classification Sherloc (09022015). Collection method: clinical testing. Allele origin: germline.
Comment: In summary, the available evidence is currently insufficient to determine the role of this variant in disease. Therefore, it has been classified as a Variant of Uncertain Significance. Algorithms developed to predict the effect of missense changes on protein structure and function (SIFT, PolyPhen-2, Align-GVGD) all suggest that this variant is likely to be tolerated, but these predictions have not been confirmed by published functional studies and their clinical significance is uncertain. This sequence change replaces valine with alanine at codon 287 of the KIT protein (p.Val287Ala). The valine residue is moderately conserved and there is a small physicochemical difference between valine and alanine. This variant is not present in population databases (ExAC no frequency). This variant has not been reported in the literature in individuals with KIT-related conditions.

NM_000222.3(KIT):c.860T>C (p.Val287Ala)

Gene: KIT (KIT proto-oncogene, receptor tyrosine kinase; plus strand). Cytogenetic location: 4q12.
Variant type: single nucleotide variant.
Coding change: c.860T>C on transcript NM_000222.3 (MANE Select); coding-DNA position 860, T replaced by C.
Protein change: p.Val287Ala; replaces valine 287 with alanine.
Molecular consequence: missense variant.
Genome position (GRCh38, 1-based): chr4:54,703,827, T>C. VCF-style: chr4-54703827-T-C. GRCh37 (hg19) VCF-style: chr4-55569993-T-C.
Other names: c.860T>C, p.Val287Ala (NM_001093772.2, NM_001385285.1, NM_001385286.1); c.863T>C, p.Val288Ala (NM_001385284.1, NM_001385288.1, NM_001385290.1 and 1 more transcripts); short protein forms V287A, V288A.
Identifiers: ClinVar variation 1412879 (VCV001412879.8), dbSNP rs775105481, ClinGen allele CA356899944.
Genomic context (GRCh38, chr4:54,703,827, plus strand): 5'-TCAATTATGAACGTCAGGCAACGTTGACTATCAGTTCAGCGAGAGTTAATGATTCTGGAG[T>C]GTTCATGTGTTATGCCAATAATACTTTTGGATCAGCAAATGTCACAACAACCTTGGAAGT-3'
Protein context (NP_000213.1, residues 277-297): ISSARVNDSG[Val287Ala]FMCYANNTFG